The following is an entry in ClinVar:

ClinVar aggregate classification (germline): Pathogenic. Review status: criteria provided, multiple submitters, no conflicts (2 of 4 stars). 2 submissions from 2 submitters: Pathogenic (2). Last evaluated 2023-08-29.

Conditions:
Fraser syndrome 1 (FRASRS1). Also called: CRYPTOPHTHALMOS WITH OTHER MALFORMATIONS. Identifiers: Orphanet 2052, MedGen C4551480, MONDO:0054737, OMIM 219000.

Submissions (2):

Labcorp Genetics (formerly Invitae), Labcorp
Classification: Pathogenic. Last evaluated: 2023-08-29. Review status: criteria provided, single submitter. Criteria: Invitae Variant Classification Sherloc (09022015). Collection method: clinical testing. Allele origin: germline.
Comment: This sequence change creates a premature translational stop signal (p.Ala3061Glyfs*53) in the FRAS1 gene. It is expected to result in an absent or disrupted protein product. Loss-of-function variants in FRAS1 are known to be pathogenic (PMID: 12766769, 18671281). This variant is not present in population databases (gnomAD no frequency). This variant has not been reported in the literature in individuals affected with FRAS1-related conditions. For these reasons, this variant has been classified as Pathogenic.

Victorian Clinical Genetics Services, Murdoch Childrens Research Institute
Classification: Pathogenic for Fraser syndrome 1. Last evaluated: 2023-07-17. Review status: criteria provided, single submitter. Criteria: ACMG Guidelines, 2015. Collection method: clinical testing. Allele origin: germline. Inheritance: Autosomal recessive inheritance. Affected: no.
Comment: Based on the classification scheme VCGS_Germline_v1.3.4, this variant is classified as Pathogenic. Following criteria are met: 0102 - Loss of function is a known mechanism of disease in this gene and is associated with Fraser syndrome 1 (MIM#219000). (I) 0106 - This gene is associated with autosomal recessive disease. (I) 0115 - Variants in this gene are known to have variable expressivity, with intrafamilial variability reported (PMID: 35595450). (I) 0201 - Variant is predicted to cause nonsense-mediated decay (NMD) and loss of protein (premature termination codon is located at least 54 nucleotides upstream of the final exon-exon junction). (SP) 0251 - This variant is heterozygous. (I) 0301 - Variant is absent from gnomAD (both v2 and v3). (SP) 0701 - Other NMD-predicted variants comparable to the one identified in this case have very strong previous evidence for pathogenicity. These variants have been reported many times as pathogenic (DECIPHER). (SP) 0807 - This variant has no previous evidence of pathogenicity. (I) 0905 - No published segregation evidence has been identified for this variant. (I) 1007 - No published functional evidence has been identified for this variant. (I) 1208 - Inheritance information for this variant is not currently available in this individual. (I) Legend: (SP) - Supporting pathogenic, (I) - Information, (SB) - Supporting benign

Literature cited by the submitters: PubMed 12766769 (cited by Labcorp Genetics (formerly Invitae), Labcorp); PubMed 18671281 (cited by Labcorp Genetics (formerly Invitae), Labcorp); PubMed 35595450 (cited by Victorian Clinical Genetics Services, Murdoch Childrens Research Institute).

NM_025074.7(FRAS1):c.9181dup (p.Ala3061fs)

Gene: FRAS1 (Fraser extracellular matrix complex subunit 1; plus strand). Cytogenetic location: 4q21.21.
Variant type: Duplication.
Coding change: c.9181dup on transcript NM_025074.7 (MANE Select); coding-DNA position 9181, one base duplicated (G; older notation c.9181dupG).
Protein change: p.Ala3061fs; shifts the reading frame from alanine 3061.
Molecular consequence: frameshift variant.
Genome position (GRCh38, 1-based): chr4:78,499,786, G duplicated. VCF-style (leftmost placement, unchanged base first): chr4-78499785-T-TG. GRCh37 (hg19) VCF-style: chr4-79420939-T-TG.
Other names: c.9181dupG (NM_025074.6); short protein forms A3061fs.
Identifiers: ClinVar variation 2755916 (VCV002755916.4), dbSNP rs2475792758, ClinGen allele CA2579987810.